The following is an entry in ClinVar:

ClinVar aggregate classification (germline): Uncertain significance. Review status: criteria provided, multiple submitters, no conflicts (2 of 4 stars). 2 submissions from 2 submitters: Uncertain significance (2). Last evaluated 2024-08-05.

Conditions:
Inborn genetic diseases. Identifiers: MedGen C0950123, MeSH D030342.

Allele frequency attached by ClinVar (database versions not stated): ExAC 0.00003; TOPMed 0.00006; gnomAD 0.00007; ESP Exome Variant Server 0.00015; gnomAD exomes 0.00015.
gnomAD v4.1: 230 of 1,613,770 alleles (0.014%); highest among the groups gnomAD compares: Non-Finnish European, 0.019%; no homozygotes.

Submissions (2):

Ambry Genetics
Classification: Uncertain significance for Inborn genetic diseases. Last evaluated: 2024-08-05. Review status: criteria provided, single submitter. Criteria: Ambry Variant Classification Scheme 2023. Collection method: clinical testing. Allele origin: germline.

Labcorp Genetics (formerly Invitae), Labcorp
Classification: Uncertain significance. Last evaluated: 2022-03-11. Review status: criteria provided, single submitter. Criteria: Invitae Variant Classification Sherloc (09022015). Collection method: clinical testing. Allele origin: germline.
Comment: This sequence change replaces leucine, which is neutral and non-polar, with phenylalanine, which is neutral and non-polar, at codon 879 of the LARS2 protein (p.Leu879Phe). This variant is present in population databases (rs376326697, gnomAD 0.009%). This variant has not been reported in the literature in individuals affected with LARS2-related conditions. Algorithms developed to predict the effect of missense changes on protein structure and function output the following: SIFT: "Tolerated"; PolyPhen-2: "Benign"; Align-GVGD: "Class C0". The phenylalanine amino acid residue is found in multiple mammalian species, which suggests that this missense change does not adversely affect protein function. Algorithms developed to predict the effect of sequence changes on RNA splicing suggest that this variant may create or strengthen a splice site. In summary, the available evidence is currently insufficient to determine the role of this variant in disease. Therefore, it has been classified as a Variant of Uncertain Significance.

NM_015340.4(LARS2):c.2635C>T (p.Leu879Phe)

Gene: LARS2 (leucyl-tRNA synthetase 2, mitochondrial; plus strand). Cytogenetic location: 3p21.31.
Variant type: single nucleotide variant.
Coding change: c.2635C>T on transcript NM_015340.4 (MANE Select); coding-DNA position 2635, C replaced by T.
Protein change: p.Leu879Phe; replaces leucine 879 with phenylalanine.
Molecular consequence: missense variant.
Genome position (GRCh38, 1-based): chr3:45,547,453, C>T. VCF-style: chr3-45547453-C-T. GRCh37 (hg19) VCF-style: chr3-45588945-C-T.
Other names: c.2635C>T, p.Leu879Phe (NM_001368263.1); c.2635C>T (NM_015340.3); short protein forms L879F.
Identifiers: ClinVar variation 2187284 (VCV002187284.2), dbSNP rs376326697, ClinGen allele CA2349959.